The following is an entry in ClinVar:

ClinVar aggregate classification (germline): Uncertain significance (1 of 4 stars; one submission).

Conditions:
Charcot-Marie-Tooth disease type 2. Also called: Charcot-Marie-Tooth type 2. Identifiers: Orphanet 64746, MedGen C0270914, MONDO:0018993.

Submission:

Labcorp Genetics (formerly Invitae), Labcorp
Classification: Uncertain significance for Charcot-Marie-Tooth disease type 2. Last evaluated: 2022-04-27. Review status: criteria provided, single submitter. Criteria: Invitae Variant Classification Sherloc (09022015). Collection method: clinical testing. Allele origin: germline.
Comment: In summary, the available evidence is currently insufficient to determine the role of this variant in disease. Therefore, it has been classified as a Variant of Uncertain Significance. Advanced modeling of protein sequence and biophysical properties (such as structural, functional, and spatial information, amino acid conservation, physicochemical variation, residue mobility, and thermodynamic stability) performed at Invitae indicates that this missense variant is expected to disrupt MFN2 protein function. This variant has not been reported in the literature in individuals affected with MFN2-related conditions. This variant is not present in population databases (gnomAD no frequency). This sequence change replaces valine, which is neutral and non-polar, with alanine, which is neutral and non-polar, at codon 621 of the MFN2 protein (p.Val621Ala).

NM_014874.4(MFN2):c.1862T>C (p.Val621Ala)

Gene: MFN2 (mitofusin 2; plus strand). Cytogenetic location: 1p36.22.
Variant type: single nucleotide variant.
Coding change: c.1862T>C on transcript NM_014874.4 (MANE Select); coding-DNA position 1862, T replaced by C.
Protein change: p.Val621Ala; replaces valine 621 with alanine.
Molecular consequence: missense variant.
Genome position (GRCh38, 1-based): chr1:12,006,683, T>C. VCF-style: chr1-12006683-T-C. GRCh37 (hg19) VCF-style: chr1-12066740-T-C.
Other names: c.1862T>C, p.Val621Ala (NM_001127660.2); short protein forms V621A.
Identifiers: ClinVar variation 2130986 (VCV002130986.4), dbSNP rs2523095577, ClinGen allele CA338449674.